The following is an entry in ClinVar:

ClinVar aggregate classification (germline): Uncertain significance (1 of 4 stars; one submission).

Conditions:
Developmental and epileptic encephalopathy, 36 (DEE36). Also called: ALG13-CDG; Congenital disorder of glycosylation, type Is; Epileptic encephalopathy, early infantile, 36. Identifiers: Orphanet 324422, MedGen C4317295, MONDO:0010472, OMIM 300884.

Allele frequency attached by ClinVar (database versions not stated): gnomAD exomes below 0.00001 and 0.00001; TOPMed below 0.00001; gnomAD 0.00002.
gnomAD v4.1: 4 of 1,186,358 alleles (0.00034%); highest among the groups gnomAD compares: Non-Finnish European, 0.00046%; no homozygotes.

Submission:

Labcorp Genetics (formerly Invitae), Labcorp
Classification: Uncertain significance for Developmental and epileptic encephalopathy, 36. Last evaluated: 2018-07-04. Review status: criteria provided, single submitter. Criteria: Invitae Variant Classification Sherloc (09022015). Collection method: clinical testing. Allele origin: germline.
Comment: In summary, the available evidence is currently insufficient to determine the role of this variant in disease. Therefore, it has been classified as a Variant of Uncertain Significance. Algorithms developed to predict the effect of missense changes on protein structure and function are either unavailable or do not agree on the potential impact of this missense change (SIFT: "Deleterious"; PolyPhen-2: "Benign"; Align-GVGD: "Class C25"). This variant has not been reported in the literature in individuals with ALG13-related disease. This variant is not present in population databases (ExAC no frequency). This sequence change replaces arginine with cysteine at codon 593 of the ALG13 protein (p.Arg593Cys). The arginine residue is highly conserved and there is a large physicochemical difference between arginine and cysteine.

NM_001099922.3(ALG13):c.2089C>T (p.Arg697Cys)

Gene: ALG13 (ALG13 UDP-N-acetylglucosaminyltransferase subunit; plus strand). Cytogenetic location: Xq23.
Variant type: single nucleotide variant.
Coding change: c.2089C>T on transcript NM_001099922.3 (MANE Select); coding-DNA position 2089, C replaced by T.
Protein change: p.Arg697Cys; replaces arginine 697 with cysteine.
Molecular consequence: missense variant. On other transcripts: non-coding transcript variant (1).
Genome position (GRCh38, 1-based): chrX:111,727,444, C>T. VCF-style: chrX-111727444-C-T. GRCh37 (hg19) VCF-style: chrX-110970672-C-T.
Other names: c.1777C>T, p.Arg593Cys (NM_001257230.2, NM_001257234.2, NM_001257237.2); c.1855C>T, p.Arg619Cys (NM_001257231.2); c.2089C>T, p.Arg697Cys (NM_001324292.2); c.1603C>T, p.Arg535Cys (NM_001324293.1); short protein forms R535C, R697C, R619C, R593C.
Identifiers: ClinVar variation 650895 (VCV000650895.9), dbSNP rs1376010208, ClinGen allele CA414253235.
Genomic context (GRCh38, chrX:111,727,444, plus strand): 5'-TTTTACCCAGGCCCAGGTAAAAGGTGCTGCCAGAGCTATGATAACTTCTCTTATAGATCT[C>T]GGTAAGTATTGTGTTGAAAGTCAGAGAAAATTGGTAAGTCTGATTTCATTGCTGAACATT-3'
Protein context (NP_001093392.1, residues 687-707): QSYDNFSYRS[Arg697Cys]SFRRSHRQMS